The following is an entry in ClinVar:

ClinVar aggregate classification (germline): Uncertain significance. Review status: criteria provided, multiple submitters, no conflicts (2 of 4 stars). 6 submissions from 6 submitters: Uncertain significance (5). 1 of the submissions does not count toward it. Last evaluated 2026-07-22.

Conditions:
Cardiovascular phenotype. Identifiers: MedGen CN230736.
TTN-related disorder. Also called: TTN-related disorders; TTN-related condition; TTN-related disease.
Rare genetic intellectual disability. Identifiers: Orphanet 183757, MedGen C5680527.

Allele frequency attached by ClinVar (database versions not stated): gnomAD exomes 0.00001; ExAC 0.00002; gnomAD 0.00004; TOPMed 0.00006 and 0.00008.
gnomAD v4.1: 15 of 1,613,454 alleles (0.00093%); highest among the groups gnomAD compares: African/African-American, 0.017%; no homozygotes.

Submissions (6):

GeneDx
Classification: Uncertain significance. Last evaluated: 2026-07-22. Review status: criteria provided, single submitter. Criteria: GeneDx Variant Classification Process June 2021. Collection method: clinical testing. Allele origin: germline.
Comment: Not observed at significant frequency in large population cohorts (gnomAD); Missense variant in a gene in which most reported pathogenic variants are truncating/loss of function; Has not been previously published as pathogenic or benign to our knowledge

PreventionGenetics, part of Exact Sciences
Classification: Uncertain significance for TTN-related condition. Last evaluated: 2026-02-18. Review status: criteria provided, single submitter. Criteria: ACMG Guidelines, 2015. Collection method: clinical testing. Allele origin: germline.
Comment: The TTN c.71581T>C variant is predicted to result in the amino acid substitution p.Tyr23861His. To our knowledge, this variant has not been reported in the literature. This variant is reported in 0.013% of alleles in individuals of African descent in gnomAD. At this time, the clinical significance of this variant is uncertain due to the absence of conclusive functional and genetic evidence.

Revvity Omics, Revvity
Classification: Uncertain significance. Last evaluated: 2025-06-11. Review status: criteria provided, single submitter. Criteria: ACMG Guidelines, 2015. Collection method: clinical testing. Allele origin: germline.

AiLife Diagnostics
Classification: Uncertain significance. Last evaluated: 2021-10-26. Review status: criteria provided, single submitter. Criteria: ACMG Guidelines, 2015. Collection method: clinical testing. Allele origin: germline. Affected: yes. Observed: 1 variant allele.

Ambry Genetics
Classification: Uncertain significance for Cardiovascular phenotype. Last evaluated: 2020-02-05. Review status: criteria provided, single submitter. Criteria: Ambry Variant Classification Scheme 2023. Collection method: clinical testing. Allele origin: germline.
Comment: The p.Y14796H variant (also known as c.44386T>C), located in coding exon 153 of the TTN gene, results from a T to C substitution at nucleotide position 44386. The tyrosine at codon 14796 is replaced by histidine, an amino acid with similar properties. This amino acid position is highly conserved in available vertebrate species. In addition, the in silico prediction for this alteration is inconclusive. Since supporting evidence is limited at this time, the clinical significance of this alteration remains unclear.

Service de Génétique Moléculaire, Hôpital Robert Debré
Classification: Uncertain significance for Rare genetic intellectual disability. Review status: no assertion criteria provided. Collection method: clinical testing. Allele origin: paternal. Not counted in ClinVar's aggregate classification.

NM_001267550.2(TTN):c.71581T>C (p.Tyr23861His)

Genes: TTN (titin; minus strand), TTN-AS1 (TTN antisense RNA 1; plus strand). Cytogenetic location: 2q31.2.
Variant type: single nucleotide variant.
Coding change: c.71581T>C on transcript NM_001267550.2 (MANE Select); coding-DNA position 71581, T replaced by C.
Protein change: p.Tyr23861His; replaces tyrosine 23861 with histidine.
Molecular consequence: missense variant.
Genome position (GRCh38, 1-based): chr2:178,574,551, A>G on the plus strand (T>C on the coding strand, the complement: TTN is on the minus strand). VCF-style: chr2-178574551-A-G. GRCh37 (hg19) VCF-style: chr2-179439278-A-G.
Other names: c.66658T>C, p.Tyr22220His (NM_001256850.1); c.44386T>C, p.Tyr14796His (NM_003319.4); c.63877T>C, p.Tyr21293His (NM_133378.4); c.44761T>C, p.Tyr14921His (NM_133432.3); c.44962T>C, p.Tyr14988His (NM_133437.4); short protein forms Y14988H, Y21293H, Y22220H, Y23861H, Y14796H, Y14921H.
Identifiers: ClinVar variation 679528 (VCV000679528.10), dbSNP rs759611506, ClinGen allele CA1990613.